The following is an entry in ClinVar:

ClinVar aggregate classification (germline): Uncertain significance (1 of 4 stars; one submission).

Conditions:
Colorectal cancer, hereditary nonpolyposis, type 7. Identifiers: Orphanet 144, MedGen C1858380, MONDO:0013725, OMIM 614385.

gnomAD v4.1: 2 of 1,614,160 alleles (0.00012%); no homozygotes.

Submission:

Labcorp Genetics (formerly Invitae), Labcorp
Classification: Uncertain significance for Colorectal cancer, hereditary nonpolyposis, type 7. Last evaluated: 2024-03-04. Review status: criteria provided, single submitter. Criteria: Invitae Variant Classification Sherloc (09022015). Collection method: clinical testing. Allele origin: germline.
Comment: This sequence change replaces cysteine, which is neutral and slightly polar, with phenylalanine, which is neutral and non-polar, at codon 1393 of the MLH3 protein (p.Cys1393Phe). This variant is present in population databases (no rsID available, gnomAD 0.004%). This variant has not been reported in the literature in individuals affected with MLH3-related conditions. An algorithm developed to predict the effect of missense changes on protein structure and function (PolyPhen-2) suggests that this variant is likely to be disruptive. In summary, the available evidence is currently insufficient to determine the role of this variant in disease. Therefore, it has been classified as a Variant of Uncertain Significance.

NM_001040108.2(MLH3):c.4178G>T (p.Cys1393Phe)

Gene: MLH3 (mutL homolog 3; minus strand). Cytogenetic location: 14q24.3.
Variant type: single nucleotide variant.
Coding change: c.4178G>T on transcript NM_001040108.2 (MANE Select); coding-DNA position 4178, G replaced by T.
Protein change: p.Cys1393Phe; replaces cysteine 1393 with phenylalanine.
Molecular consequence: missense variant.
Genome position (GRCh38, 1-based): chr14:75,018,893, C>A on the plus strand (G>T on the coding strand, the complement: MLH3 is on the minus strand). VCF-style: chr14-75018893-C-A. GRCh37 (hg19) VCF-style: chr14-75485596-C-A.
Other names: c.4106G>T, p.Cys1369Phe (NM_014381.3); short protein forms C1393F, C1369F.
Identifiers: ClinVar variation 3703131 (VCV003703131.2).